The following is an entry in ClinVar:

ClinVar aggregate classification (germline): Uncertain significance (1 of 4 stars; one submission).

Conditions:
Brugada syndrome 4 (BRGDA4). Identifiers: Orphanet 130, MedGen C2678477, MONDO:0012743, OMIM 611876.

Submission:

Labcorp Genetics (formerly Invitae), Labcorp
Classification: Uncertain significance for Brugada syndrome 4. Last evaluated: 2022-04-15. Review status: criteria provided, single submitter. Criteria: Invitae Variant Classification Sherloc (09022015). Collection method: clinical testing. Allele origin: germline.
Comment: This sequence change replaces serine, which is neutral and polar, with alanine, which is neutral and non-polar, at codon 444 of the CACNB2 protein (p.Ser444Ala). In summary, the available evidence is currently insufficient to determine the role of this variant in disease. Therefore, it has been classified as a Variant of Uncertain Significance. Algorithms developed to predict the effect of missense changes on protein structure and function (SIFT, PolyPhen-2, Align-GVGD) all suggest that this variant is likely to be tolerated. This variant has not been reported in the literature in individuals affected with CACNB2-related conditions. This variant is not present in population databases (gnomAD no frequency).

NM_201596.3(CACNB2):c.1492T>G (p.Ser498Ala)

Gene: CACNB2 (calcium voltage-gated channel auxiliary subunit beta 2; plus strand). Cytogenetic location: 10p12.31.
Variant type: single nucleotide variant.
Coding change: c.1492T>G on transcript NM_201596.3 (MANE Select); coding-DNA position 1492, T replaced by G.
Protein change: p.Ser498Ala; replaces serine 498 with alanine.
Molecular consequence: missense variant.
Genome position (GRCh38, 1-based): chr10:18,539,233, T>G. VCF-style: chr10-18539233-T-G. GRCh37 (hg19) VCF-style: chr10-18828162-T-G.
Other names: c.1327T>G, p.Ser443Ala (NM_000724.4); c.1294T>G, p.Ser432Ala (NM_001167945.2); c.1213T>G, p.Ser405Ala (NM_001330060.2); c.1348T>G, p.Ser450Ala (NM_201570.3); c.1408T>G, p.Ser470Ala (NM_201571.4); c.1336T>G, p.Ser446Ala (NM_201572.4); c.1330T>G, p.Ser444Ala (NM_201590.3); c.1378T>G, p.Ser460Ala (NM_201593.3); and 1 more; short protein forms S444A, S498A, S446A, S474A, S405A, S432A, S470A, S450A.
Identifiers: ClinVar variation 2198422 (VCV002198422.4), dbSNP rs886046884, ClinGen allele CA10635451.